The following is an entry in ClinVar:

NM_000238.4(KCNH2):c.991del (p.Ser331fs)

Gene: KCNH2 (potassium voltage-gated channel subfamily H member 2; minus strand). Cytogenetic location: 7q36.1.
Variant type: Deletion.
Coding change: c.991del on transcript NM_000238.4 (MANE Select); coding-DNA position 991, one base deleted (A; older notation c.991delA).
Protein change: p.Ser331fs; shifts the reading frame from serine 331.
Molecular consequence: frameshift variant.
Genome position (GRCh38, 1-based): chr7:150,957,428, T deleted on the plus strand (A on the coding strand, the reverse complement: KCNH2 is on the minus strand). VCF-style (leftmost placement, unchanged base first): chr7-150957427-CT-C. GRCh37 (hg19) VCF-style: chr7-150654515-CT-C.
Other names: c.703delA, p.Ser235Alafs (NM_001406753.1, NM_001406756.1); c.814delA, p.Ser272Alafs (NM_001406755.1); c.691delA, p.Ser231Alafs (NM_001406757.1); c.991delA, p.Ser331Alafs (NM_172056.3); short protein forms S331fs.
Identifiers: ClinVar variation 2442075 (VCV002442075.4), dbSNP rs2486082252, ClinGen allele CA2580077679.

ClinVar aggregate classification (germline): Pathogenic. Review status: criteria provided, multiple submitters, no conflicts (2 of 4 stars). 2 submissions from 2 submitters: Pathogenic (2). Last evaluated 2023-01-17.

Conditions:
Long QT syndrome (LQTS). Identifiers: MedGen C0023976, MeSH D008133, MONDO:0002442. Disease mechanism: loss of function. Inheritance: Various modes of inheritance.
Long QT syndrome 2 (LQT2). Identifiers: Orphanet 101016, Orphanet 768, MedGen C3150943, MONDO:0013367, OMIM 613688.

Submissions (2):

Labcorp Genetics (formerly Invitae), Labcorp
Classification: Pathogenic for Long QT syndrome. Last evaluated: 2023-01-17. Review status: criteria provided, single submitter. Criteria: Invitae Variant Classification Sherloc (09022015). Collection method: clinical testing. Allele origin: germline.
Comment: For these reasons, this variant has been classified as Pathogenic. This variant has not been reported in the literature in individuals affected with KCNH2-related conditions. This variant is not present in population databases (gnomAD no frequency). This sequence change creates a premature translational stop signal (p.Ser331Alafs*29) in the KCNH2 gene. It is expected to result in an absent or disrupted protein product. Loss-of-function variants in KCNH2 are known to be pathogenic (PMID: 10973849, 19862833).

Baylor Genetics
Classification: Pathogenic for Long QT syndrome 2. Last evaluated: 2022-01-05. Review status: criteria provided, single submitter. Criteria: ACMG Guidelines, 2015. Collection method: clinical testing. Allele origin: unknown.

Literature cited by the submitters: PubMed 10973849 (cited by Labcorp Genetics (formerly Invitae), Labcorp); PubMed 19862833 (cited by Labcorp Genetics (formerly Invitae), Labcorp).